The following is an entry in ClinVar:

ClinVar aggregate classification (germline): Uncertain significance (1 of 4 stars; one submission).

Submission:

Labcorp Genetics (formerly Invitae), Labcorp
Classification: Uncertain significance. Last evaluated: 2025-10-12. Review status: criteria provided, single submitter. Criteria: Invitae Variant Classification Sherloc (09022015). Collection method: clinical testing. Allele origin: germline.
Comment: This variant, c.1155_1172dup, results in the insertion of 6 amino acid(s) of the TAOK2 protein (p.Glu387_Glu392dup), but otherwise preserves the integrity of the reading frame. The frequency data for this variant in the population databases is considered unreliable, as metrics indicate poor data quality at this position in the gnomAD database. This variant has not been reported in the literature in individuals affected with TAOK2-related conditions. ClinVar contains an entry for this variant (Variation ID: 1430478). Experimental studies and prediction algorithms are not available or were not evaluated, and the functional significance of this variant is currently unknown. In summary, the available evidence is currently insufficient to determine the role of this variant in disease. Therefore, it has been classified as a Variant of Uncertain Significance.

NM_016151.4(TAOK2):c.1155_1172dup (p.Glu387_Glu392dup)

Gene: TAOK2 (TAO kinase 2; plus strand). Cytogenetic location: 16p11.2.
Variant type: Duplication.
Coding change: c.1155_1172dup on transcript NM_016151.4 (MANE Select); coding-DNA positions 1155 to 1172, 18 bases duplicated (GGAAGAGGAGGAGGAGGA).
Protein change: p.Glu387_Glu392dup.
Molecular consequence: inframe insertion.
Genome position (GRCh38, 1-based): chr16:29,983,227-29,983,244, GGAAGAGGAGGAGGAGGA duplicated; duplicating any 18 consecutive bases within chr16:29,983,213-29,983,244 gives the same sequence; the c. name uses the placement nearest the transcript's 3' end. VCF-style (leftmost placement, unchanged base first): chr16-29983212-G-GGAGGAGGAGGAGGAGGAA. GRCh37 (hg19) VCF-style: chr16-29994533-G-GGAGGAGGAGGAGGAGGAA.
Other names: c.1155_1172dup, p.Glu387_Glu392dup (NM_001252043.2, NM_004783.4).
Identifiers: ClinVar variation 1430478 (VCV001430478.8), dbSNP rs1182154073, ClinGen allele CA622165695.
Genomic context (GRCh38, chr16:29,983,212, plus strand): 5'-CGCCTCCAGCCAGAGCAGCTCCGTCAACAGCCTAGCAGATGCCTCAGACAACGAGGAAGA[G>GGAGGAGGAGGAGGAGGAA]GAGGAGGAGGAGGAGGAAGAGGAGGAGGAGGAAGAAGGCCCTGAAGCCCGGGAGATGGCC-3'